The following is an entry in ClinVar:

ClinVar aggregate classification (germline): Uncertain significance (1 of 4 stars; one submission).

Allele frequency attached by ClinVar (database versions not stated): gnomAD exomes 0.00001; gnomAD 0.00004 and 0.00005; TOPMed 0.00005.
gnomAD v4.1: 10 of 1,614,048 alleles (0.00062%); highest among the groups gnomAD compares: Admixed American, 0.017%; no homozygotes.

Submission:

Labcorp Genetics (formerly Invitae), Labcorp
Classification: Uncertain significance. Last evaluated: 2022-11-08. Review status: criteria provided, single submitter. Criteria: Invitae Variant Classification Sherloc (09022015). Collection method: clinical testing. Allele origin: germline.
Comment: ClinVar contains an entry for this variant (Variation ID: 1009745). In summary, the available evidence is currently insufficient to determine the role of this variant in disease. Therefore, it has been classified as a Variant of Uncertain Significance. Advanced modeling of protein sequence and biophysical properties (such as structural, functional, and spatial information, amino acid conservation, physicochemical variation, residue mobility, and thermodynamic stability) performed at Invitae indicates that this missense variant is not expected to disrupt TTLL5 protein function. This variant has not been reported in the literature in individuals affected with TTLL5-related conditions. This variant is present in population databases (no rsID available, gnomAD 0.009%). This sequence change replaces leucine, which is neutral and non-polar, with valine, which is neutral and non-polar, at codon 541 of the TTLL5 protein (p.Leu541Val).

NM_015072.5(TTLL5):c.1621C>G (p.Leu541Val)

Gene: TTLL5 (tubulin tyrosine ligase like 5; plus strand). Cytogenetic location: 14q24.3.
Variant type: single nucleotide variant.
Coding change: c.1621C>G on transcript NM_015072.5 (MANE Select); coding-DNA position 1621, C replaced by G.
Protein change: p.Leu541Val; replaces leucine 541 with valine.
Molecular consequence: missense variant.
Genome position (GRCh38, 1-based): chr14:75,764,685, C>G. VCF-style: chr14-75764685-C-G. GRCh37 (hg19) VCF-style: chr14-76231028-C-G.
Other names: short protein forms L541V.
Identifiers: ClinVar variation 1009745 (VCV001009745.10), dbSNP rs1378778170, ClinGen allele CA390466373.